The following is an entry in ClinVar:

NM_020975.6(RET):c.821C>T (p.Ala274Val)

Gene: RET (ret proto-oncogene; plus strand). Cytogenetic location: 10q11.21.
Variant type: single nucleotide variant.
Coding change: c.821C>T on transcript NM_020975.6 (MANE Select); coding-DNA position 821, C replaced by T.
Protein change: p.Ala274Val; replaces alanine 274 with valine.
Molecular consequence: missense variant.
Genome position (GRCh38, 1-based): chr10:43,105,147, C>T. VCF-style: chr10-43105147-C-T. GRCh37 (hg19) VCF-style: chr10-43600595-C-T.
Other names: c.821C>T, p.Ala274Val (NM_000323.2, NM_001406743.1, NM_001406744.1 and 8 more transcripts); c.59C>T, p.Ala20Val (NM_001355216.2); c.692C>T, p.Ala231Val (NM_001406761.1, NM_001406762.1, NM_001406764.1 and 2 more transcripts); c.533C>T, p.Ala178Val (NM_001406766.1, NM_001406767.1, NM_001406770.1); short protein forms A178V, A274V, A20V, A231V.
Identifiers: ClinVar variation 1762508 (VCV001762508.3), dbSNP rs762363830, ClinGen allele CA376545216.

ClinVar aggregate classification (germline): Uncertain significance (1 of 4 stars; one submission).

Conditions:
Hereditary cancer-predisposing syndrome. Also called: Neoplastic Syndromes, Hereditary; Tumor predisposition; Hereditary Cancer Syndrome; Hereditary neoplastic syndrome. Identifiers: Orphanet 140162, MedGen C0027672, MeSH D009386, MONDO:0015356.

gnomAD v4.1: 4 of 1,612,690 alleles (0.00025%); highest among the groups gnomAD compares: Non-Finnish European, 0.00034%; no homozygotes.

Submission:

Ambry Genetics
Classification: Uncertain significance for Hereditary cancer-predisposing syndrome. Last evaluated: 2025-06-25. Review status: criteria provided, single submitter. Criteria: Ambry Variant Classification Scheme 2023. Collection method: clinical testing. Allele origin: germline.
Comment: The p.A274V variant (also known as c.821C>T), located in coding exon 4 of the RET gene, results from a C to T substitution at nucleotide position 821. The alanine at codon 274 is replaced by valine, an amino acid with similar properties. This amino acid position is poorly conserved in available vertebrate species. In addition, this alteration is predicted to be tolerated by in silico analysis. Since supporting evidence is limited at this time, the clinical significance of this alteration remains unclear.